The following is an entry in ClinVar:

ClinVar aggregate classification (germline): Uncertain significance (1 of 4 stars; one submission).

Allele frequency attached by ClinVar (database versions not stated): gnomAD exomes below 0.00001.
gnomAD v4.1: 2 of 1,553,276 alleles (0.00013%); highest among the groups gnomAD compares: East Asian, 0.0049%; no homozygotes.

Submission:

Ambry Genetics
Classification: Uncertain significance. Last evaluated: 2023-10-12. Review status: criteria provided, single submitter. Criteria: Ambry Variant Classification Scheme 2023. Collection method: clinical testing. Allele origin: germline.
Comment: The p.E45Q variant (also known as c.133G>C), located in coding exon 1 of the EGLN1 gene, results from a G to C substitution at nucleotide position 133. The glutamic acid at codon 45 is replaced by glutamine, an amino acid with highly similar properties. This amino acid position is conserved. In addition, the in silico prediction for this alteration is inconclusive. Since supporting evidence is limited at this time, the clinical significance of this alteration remains unclear.

NM_022051.3(EGLN1):c.133G>C (p.Glu45Gln)

Gene: EGLN1 (egl-9 family hypoxia inducible factor 1; minus strand). Cytogenetic location: 1q42.2.
Variant type: single nucleotide variant.
Coding change: c.133G>C on transcript NM_022051.3 (MANE Select); coding-DNA position 133, G replaced by C.
Protein change: p.Glu45Gln; replaces glutamic acid 45 with glutamine.
Molecular consequence: missense variant.
Genome position (GRCh38, 1-based): chr1:231,421,756, C>G on the plus strand (G>C on the coding strand, the complement: EGLN1 is on the minus strand). VCF-style: chr1-231421756-C-G. GRCh37 (hg19) VCF-style: chr1-231557502-C-G.
Other names: c.133G>C, p.Glu45Gln (NM_001377260.1, NM_001377261.1); short protein forms E45Q.
Identifiers: ClinVar variation 3227694 (VCV003227694.1), dbSNP rs1220545769, ClinGen allele CA345238962.